The following is an entry in ClinVar:

NM_000064.4(C3):c.4177C>T (p.Arg1393Trp)

Gene: C3 (complement C3; minus strand). Cytogenetic location: 19p13.3.
Variant type: single nucleotide variant.
Coding change: c.4177C>T on transcript NM_000064.4 (MANE Select); coding-DNA position 4177, C replaced by T.
Protein change: p.Arg1393Trp; replaces arginine 1393 with tryptophan.
Molecular consequence: missense variant.
Genome position (GRCh38, 1-based): chr19:6,682,225, G>A on the plus strand (C>T on the coding strand, the complement: C3 is on the minus strand). VCF-style: chr19-6682225-G-A. GRCh37 (hg19) VCF-style: chr19-6682236-G-A.
Other names: short protein forms R1393W.
Identifiers: ClinVar variation 1388745 (VCV001388745.7), dbSNP rs148227405, ClinGen allele CA9128481.

ClinVar aggregate classification (germline): Uncertain significance. Review status: criteria provided, multiple submitters, no conflicts (2 of 4 stars). 2 submissions from 2 submitters: Uncertain significance (2). Last evaluated 2025-12-01.

Conditions:
Age related macular degeneration 9. Identifiers: MedGen C1969651, MONDO:0012659, OMIM 611378.
Complement component 3 deficiency. Identifiers: Orphanet 280133, MedGen C3151071, MONDO:0013417, OMIM 613779.
Atypical hemolytic-uremic syndrome with C3 anomaly. Also called: AHUS, SUSCEPTIBILITY TO, 5. Identifiers: Orphanet 2134, MedGen C2752037, MONDO:0013043, OMIM 612925.

Allele frequency attached by ClinVar (database versions not stated): TOPMed 0.00002; gnomAD 0.00003; gnomAD exomes 0.00003 and 0.00004; ExAC 0.00004; ESP Exome Variant Server 0.00008.

Submissions (2):

Labcorp Genetics (formerly Invitae), Labcorp
Classification: Uncertain significance. Last evaluated: 2025-12-01. Review status: criteria provided, single submitter. Criteria: Invitae Variant Classification Sherloc (09022015). Collection method: clinical testing. Allele origin: germline.
Comment: This sequence change replaces arginine, which is basic and polar, with tryptophan, which is neutral and slightly polar, at codon 1393 of the C3 protein (p.Arg1393Trp). This variant is present in population databases (rs148227405, gnomAD 0.006%). This variant has not been reported in the literature in individuals affected with C3-related conditions. ClinVar contains an entry for this variant (Variation ID: 1388745). Invitae Evidence Modeling of protein sequence and biophysical properties (such as structural, functional, and spatial information, amino acid conservation, physicochemical variation, residue mobility, and thermodynamic stability) indicates that this missense variant is not expected to disrupt C3 protein function with a negative predictive value of 80%. In summary, the available evidence is currently insufficient to determine the role of this variant in disease. Therefore, it has been classified as a Variant of Uncertain Significance.

Fulgent Genetics
Classification: Uncertain significance for Age related macular degeneration 9; Atypical hemolytic-uremic syndrome with C3 anomaly; Complement component 3 deficiency. Last evaluated: 2022-05-26. Review status: criteria provided, single submitter. Criteria: ACMG Guidelines, 2015. Collection method: clinical testing. Allele origin: unknown.